The following is an entry in ClinVar:

ClinVar aggregate classification (germline): Uncertain significance (1 of 4 stars; one submission).

Conditions:
Hereditary cancer-predisposing syndrome. Also called: Tumor predisposition; Hereditary neoplastic syndrome; Hereditary Cancer Syndrome; Neoplastic Syndromes, Hereditary. Identifiers: Orphanet 140162, MedGen C0027672, MeSH D009386, MONDO:0015356.

Allele frequency attached by ClinVar (database versions not stated): TOPMed below 0.00001.

Submission:

Ambry Genetics
Classification: Uncertain significance for Hereditary cancer-predisposing syndrome. Last evaluated: 2023-11-17. Review status: criteria provided, single submitter. Criteria: Ambry Variant Classification Scheme 2023. Collection method: clinical testing. Allele origin: germline.
Comment: The p.H491R variant (also known as c.1472A>G), located in coding exon 11 of the POLD1 gene, results from an A to G substitution at nucleotide position 1472. The histidine at codon 491 is replaced by arginine, an amino acid with highly similar properties. This amino acid position is conserved. In addition, the in silico prediction for this alteration is inconclusive. Since supporting evidence is limited at this time, the clinical significance of this alteration remains unclear.

NM_002691.4(POLD1):c.1472A>G (p.His491Arg)

Gene: POLD1 (DNA polymerase delta 1, catalytic subunit; plus strand). Cytogenetic location: 19q13.33.
Variant type: single nucleotide variant.
Coding change: c.1472A>G on transcript NM_002691.4 (MANE Select); coding-DNA position 1472, A replaced by G.
Protein change: p.His491Arg; replaces histidine 491 with arginine.
Molecular consequence: missense variant. On other transcripts: non-coding transcript variant (1).
Genome position (GRCh38, 1-based): chr19:50,406,495, A>G. VCF-style: chr19-50406495-A-G. GRCh37 (hg19) VCF-style: chr19-50909752-A-G.
Other names: c.1472A>G, p.His491Arg (NM_001256849.1, NM_001308632.1); short protein forms H491R.
Identifiers: ClinVar variation 3222697 (VCV003222697.1), dbSNP rs2038889683, ClinGen allele CA406980282.
Genomic context (GRCh38, chr19:50,406,495, plus strand): 5'-CCTACACGCTCAATGCCGTGAGCTTCCACTTCCTGGGCGAGCAGAAGGAGGACGTGCAGC[A>G]CAGCATCATCACCGACCTGCAGGTGCCTGCTGCCTCCCTGACCTCTCACCCCAACCTCTG-3'
Protein context (NP_002682.2, residues 481-501): FLGEQKEDVQ[His491Arg]SIITDLQNGN